The following is an entry in ClinVar:

ClinVar aggregate classification (germline): Uncertain significance (1 of 4 stars; one submission).

gnomAD v4.1: 2 of 1,614,272 alleles (0.00012%); highest among the groups gnomAD compares: Non-Finnish European, 0.00017%; no homozygotes.

Submission:

GeneDx
Classification: Uncertain significance. Last evaluated: 2023-10-31. Review status: criteria provided, single submitter. Criteria: GeneDx Variant Classification Process June 2021. Collection method: clinical testing. Allele origin: germline. Affected: yes.
Comment: Not observed at significant frequency in large population cohorts (gnomAD); In silico analysis supports that this missense variant does not alter protein structure/function; Has not been previously published as pathogenic or benign to our knowledge

NM_001382567.1(STIM1):c.1401C>G (p.Asn467Lys)

Gene: STIM1 (stromal interaction molecule 1; plus strand). Cytogenetic location: 11p15.4.
Variant type: single nucleotide variant.
Coding change: c.1401C>G on transcript NM_001382567.1 (MANE Select); coding-DNA position 1401, C replaced by G.
Protein change: p.Asn467Lys; replaces asparagine 467 with lysine.
Molecular consequence: missense variant. On other transcripts: non-coding transcript variant (2).
Genome position (GRCh38, 1-based): chr11:4,083,425, C>G. VCF-style: chr11-4083425-C-G. GRCh37 (hg19) VCF-style: chr11-4104655-C-G.
Other names: c.1401C>G, p.Asn467Lys (NM_001277961.3, NM_001277962.2, NM_003156.4); c.1179C>G, p.Asn393Lys (NM_001382566.1, NM_001382573.1, NM_001382575.1 and 4 more transcripts); c.1422C>G, p.Asn474Lys (NM_001382568.1); c.1266C>G, p.Asn422Lys (NM_001382569.1); c.1173C>G, p.Asn391Lys (NM_001382570.1); c.921C>G, p.Asn307Lys (NM_001382571.1); c.912C>G, p.Asn304Lys (NM_001382580.1, NM_001382581.1); short protein forms N304K, N307K, N391K, N393K, N422K, N467K, N474K.
Identifiers: ClinVar variation 3363683 (VCV003363683.1).